The following is an entry in ClinVar:

NM_006265.3(RAD21):c.1711C>T (p.Leu571Phe)

Gene: RAD21 (RAD21 cohesin complex component; minus strand). Cytogenetic location: 8q24.11.
Variant type: single nucleotide variant.
Coding change: c.1711C>T on transcript NM_006265.3 (MANE Select); coding-DNA position 1711, C replaced by T.
Protein change: p.Leu571Phe; replaces leucine 571 with phenylalanine.
Molecular consequence: missense variant.
Genome position (GRCh38, 1-based): chr8:116,847,685, G>A on the plus strand (C>T on the coding strand, the complement: RAD21 is on the minus strand). VCF-style: chr8-116847685-G-A. GRCh37 (hg19) VCF-style: chr8-117859924-G-A.
Other names: short protein forms L571F.
Identifiers: ClinVar variation 961308 (VCV000961308.10), dbSNP rs139935751, ClinGen allele CA4852693.

ClinVar aggregate classification (germline): Conflicting classifications of pathogenicity. Review status: criteria provided, conflicting classifications (1 of 4 stars). 3 submissions from 3 submitters: Uncertain significance (2); Likely benign (1). Last evaluated 2025-11-10.

Conditions:
Cornelia de Lange syndrome 4 (CDLS4). Also called: RAD21-Related Cornelia de Lange Syndrome; CORNELIA DE LANGE SYNDROME 4 WITH OR WITHOUT MIDLINE BRAIN DEFECTS. Identifiers: Orphanet 199, MedGen C3553517, MONDO:0013864, OMIM 614701.
RAD21-related disorder. Also called: RAD21- Related disorders; RAD21-related condition.

Allele frequency attached by ClinVar (database versions not stated): ESP Exome Variant Server 0.00008; gnomAD 0.00009; TOPMed 0.00009; ExAC 0.00011; gnomAD exomes 0.00014 and 0.00018; 1000 Genomes Project 30x 0.00016; 1000 Genomes Project 0.00020.
gnomAD v4.1: 268 of 1,611,084 alleles (0.017%); highest among the groups gnomAD compares: Non-Finnish European, 0.021%; no homozygotes.

Submissions (3):

Labcorp Genetics (formerly Invitae), Labcorp
Classification: Uncertain significance for Cornelia de Lange syndrome 4. Last evaluated: 2025-11-10. Review status: criteria provided, single submitter. Criteria: Invitae Variant Classification Sherloc (09022015). Collection method: clinical testing. Allele origin: germline.
Comment: This sequence change replaces leucine, which is neutral and non-polar, with phenylalanine, which is neutral and non-polar, at codon 571 of the RAD21 protein (p.Leu571Phe). This variant is present in population databases (rs139935751, gnomAD 0.02%). This variant has not been reported in the literature in individuals affected with RAD21-related conditions. ClinVar contains an entry for this variant (Variation ID: 961308). Invitae Evidence Modeling of protein sequence and biophysical properties (such as structural, functional, and spatial information, amino acid conservation, physicochemical variation, residue mobility, and thermodynamic stability) indicates that this missense variant is not expected to disrupt RAD21 protein function with a negative predictive value of 95%. In summary, the available evidence is currently insufficient to determine the role of this variant in disease. Therefore, it has been classified as a Variant of Uncertain Significance.

Laboratory of Genetics, Children's Clinical University Hospital Latvia
Classification: Likely benign. Last evaluated: 2025-02-16. Review status: criteria provided, single submitter. Criteria: ACMG Guidelines, 2015. Collection method: clinical testing. Allele origin: germline. Affected: yes.

PreventionGenetics, part of Exact Sciences
Classification: Uncertain significance for RAD21-related condition. Last evaluated: 2025-01-13. Review status: criteria provided, single submitter. Criteria: ACMG Guidelines, 2015. Collection method: clinical testing. Allele origin: germline.
Comment: The RAD21 c.1711C>T variant is predicted to result in the amino acid substitution p.Leu571Phe. To our knowledge, this variant has not been reported in the literature. This variant is reported in 0.023% of alleles in individuals of Latino descent in gnomAD. At this time, the clinical significance of this variant is uncertain due to the absence of conclusive functional and genetic evidence.